The following is an entry in ClinVar:

NM_001010870.3(TDRD6):c.3912A>G (p.Gly1304=)

Gene: TDRD6 (tudor domain containing 6; plus strand). Cytogenetic location: 6p12.3.
Variant type: single nucleotide variant.
Coding change: c.3912A>G on transcript NM_001010870.3 (MANE Select); coding-DNA position 3912, A replaced by G.
Protein change: p.Gly1304=; no amino-acid change (glycine 1304 retained).
Molecular consequence: synonymous variant.
Genome position (GRCh38, 1-based): chr6:46,692,040, A>G. VCF-style: chr6-46692040-A-G. GRCh37 (hg19) VCF-style: chr6-46659777-A-G.
Other names: c.3912A>G, p.Gly1304= (NM_001168359.2).
Identifiers: ClinVar variation 2656628 (VCV002656628.24), dbSNP rs1197709202, ClinGen allele CA450178676.

ClinVar aggregate classification (germline): Likely benign (1 of 4 stars; one submission).

Allele frequency attached by ClinVar (database versions not stated): gnomAD 0.00001; TOPMed 0.00001; gnomAD exomes 0.00004.
gnomAD v4.1: 59 of 1,613,264 alleles (0.0037%); highest among the groups gnomAD compares: Non-Finnish European, 0.0047%; no homozygotes.

Submission:

CeGaT Center for Human Genetics Tuebingen
Classification: Likely benign. Last evaluated: 2022-08-01. Review status: criteria provided, single submitter. Criteria: CeGaT Center For Human Genetics Tuebingen Variant Classification Criteria Version 2. Collection method: clinical testing. Allele origin: germline. Affected: yes. Observed: 1 variant allele.
Comment: TDRD6: BP4, BP7